The following is an entry in ClinVar:

ClinVar aggregate classification (germline): Uncertain significance (1 of 4 stars; one submission).

Submission:

Ambry Genetics
Classification: Uncertain significance. Last evaluated: 2025-11-26. Review status: criteria provided, single submitter. Criteria: Ambry Variant Classification Scheme 2023. Collection method: clinical testing. Allele origin: germline.
Comment: The p.P724A variant (also known as c.2170C>G), located in coding exon 9 of the WNK2 gene, results from a C to G substitution at nucleotide position 2170. The proline at codon 724 is replaced by alanine, an amino acid with highly similar properties. This amino acid position is conserved. In addition, this alteration is predicted to be tolerated by in silico analysis. Based on the available evidence, the clinical significance of this variant remains unclear.

NM_006648.4(WNK2):c.2170C>G (p.Pro724Ala)

Gene: WNK2 (WNK lysine deficient protein kinase 2; plus strand). Cytogenetic location: 9q22.31.
Variant type: single nucleotide variant.
Coding change: c.2170C>G on transcript NM_006648.4 (MANE Select); coding-DNA position 2170, C replaced by G.
Protein change: p.Pro724Ala; replaces proline 724 with alanine.
Molecular consequence: missense variant.
Genome position (GRCh38, 1-based): chr9:93,256,434, C>G. VCF-style: chr9-93256434-C-G. GRCh37 (hg19) VCF-style: chr9-96018716-C-G.
Other names: c.2170C>G, p.Pro724Ala (NM_001282394.3); short protein forms P724A.
Identifiers: ClinVar variation 4605399 (VCV004605399.1).